The following is an entry in ClinVar:

NM_000268.4(NF2):c.676A>C (p.Asn226His)

Gene: NF2 (NF2, moesin-ezrin-radixin like (MERLIN) tumor suppressor; plus strand). Cytogenetic location: 22q12.2.
Variant type: single nucleotide variant.
Coding change: c.676A>C on transcript NM_000268.4 (MANE Select); coding-DNA position 676, A replaced by C.
Protein change: p.Asn226His; replaces asparagine 226 with histidine.
Molecular consequence: missense variant. On other transcripts: non-coding transcript variant (1), intron variant (1).
Genome position (GRCh38, 1-based): chr22:29,661,205, A>C. VCF-style: chr22-29661205-A-C. GRCh37 (hg19) VCF-style: chr22-30057194-A-C.
Other names: c.676A>C, p.Asn226His (NM_016418.5, NM_181825.3, NM_181832.3); c.550A>C, p.Asn184His (NM_181828.3); c.553A>C, p.Asn185His (NM_181829.3); c.427A>C, p.Asn143His (NM_181830.3, NM_181831.3); c.447+18920A>C (NM_181833.3); short protein forms N226H, N184H, N143H, N185H.
Identifiers: ClinVar variation 341069 (VCV000341069.11), dbSNP rs886057336, ClinGen allele CA10650983.

ClinVar aggregate classification (germline): Uncertain significance. Review status: criteria provided, multiple submitters, no conflicts (2 of 4 stars). 3 submissions from 3 submitters: Uncertain significance (3). Last evaluated 2021-11-07.

Conditions:
Neurofibromatosis, type 2 (SWNV). Also called: SCHWANNOMATOSIS, VESTIBULAR; BILATERAL ACOUSTIC NEUROFIBROMATOSIS; NF2-Related Schwannomatosis. Identifiers: Orphanet 637, MedGen C0027832, MONDO:0007039, OMIM 101000. Disease mechanism: loss of function.
Hereditary cancer-predisposing syndrome. Also called: Hereditary neoplastic syndrome; Neoplastic Syndromes, Hereditary; Tumor predisposition; Hereditary Cancer Syndrome. Identifiers: Orphanet 140162, MedGen C0027672, MeSH D009386, MONDO:0015356.

Submissions (3):

Genome-Nilou Lab
Classification: Uncertain significance for Neurofibromatosis, type 2. Last evaluated: 2021-11-07. Review status: criteria provided, single submitter. Criteria: ACMG Guidelines, 2015. Collection method: clinical testing. Allele origin: germline. Affected: no.

Illumina Laboratory Services, Illumina
Classification: Uncertain significance for Neurofibromatosis, type 2. Last evaluated: 2018-01-13. Review status: criteria provided, single submitter. Criteria: ICSL Variant Classification Criteria 13 December 2019. Collection method: clinical testing. Allele origin: germline.

Ambry Genetics
Classification: Uncertain significance for Hereditary cancer-predisposing syndrome. Last evaluated: 2017-05-30. Review status: criteria provided, single submitter. Criteria: Ambry Variant Classification Scheme 2023. Collection method: clinical testing. Allele origin: germline.
Comment: The p.N226H variant (also known as c.676A>C) is located in coding exon 8 of the NF2 gene. The asparagine at codon 226 is replaced by histidine, an amino acid with similar properties. This change occurs in the first base pair of coding exon 8. This amino acid position is highly conserved in available vertebrate species. In addition, the in silico prediction for this alteration is inconclusive. Since supporting evidence is limited at this time, the clinical significance of this alteration remains unclear.